The following is an entry in ClinVar:

ClinVar aggregate classification (germline): Likely benign. Review status: reviewed by expert panel (3 of 4 stars). 4 submissions from 4 submitters: Likely benign (1). 3 of the submissions do not count toward it. Last evaluated 2023-06-27.

Conditions:
Very long chain acyl-CoA dehydrogenase deficiency (ACADVLD). Also called: VLCAD Deficiency; Very Long-Chain Acyl-Coenzyme A Dehydrogenase Deficiency. Identifiers: Orphanet 26793, MedGen C3887523, MONDO:0008723, OMIM 201475.

Allele frequency attached by ClinVar (database versions not stated): gnomAD 0.00002; TOPMed 0.00002; gnomAD exomes 0.00006; ExAC 0.00007; ESP Exome Variant Server 0.00008.
gnomAD v4.1: 39 of 1,613,938 alleles (0.0024%); highest among the groups gnomAD compares: East Asian, 0.0022%; no homozygotes.

Submissions (4):

ClinGen ACADVL Variant Curation Expert Panel, ClinGen
Classification: Likely benign for Very long chain acyl-CoA dehydrogenase deficiency. Last evaluated: 2023-06-27. Review status: reviewed by expert panel. Criteria: clingen acadvl acmg specifications v1. Collection method: curation. Allele origin: germline.
Comment: The c.822C>T variant is a synonymous (silent) variant (p.Ala274=) that is not predicted by SpliceAI, NNSPLICE, or MaxEntScan to impact splicing. In addition, it occurs at a nucleotide that is not conserved as shown by 100 vertebrate Basewise Conservation by PhyloP track in the UCSC genome browser (BP4, BP7). This highest population minor allele frequency in gnomAD v2.1.1 is 0.0003185 in the European (Finnish) population, which is lower than the ClinGen ACADVL Variant Curation Expert Panel threshold (<0.001) for PM2_Supporting; however, this is not considered conflicting evidence with BP4 and BP7. In summary, this variant meets the criteria to be classified as likely benign for autosomal recessive very long chain acyl-CoA dehydrogenase (VLCAD) deficiency based on the ACMG/AMP criteria applied, as specified by the ClinGen ACADVL Variant Curation Expert Panel: BP4, BP7 (ACADVL VCEP specifications version 1; approved November 8, 2021)

Labcorp Genetics (formerly Invitae), Labcorp
Classification: Likely benign for Very long chain acyl-CoA dehydrogenase deficiency. Last evaluated: 2026-01-28. Review status: criteria provided, single submitter. Criteria: Invitae Variant Classification Sherloc (09022015). Collection method: clinical testing. Allele origin: germline. Not counted in ClinVar's aggregate classification.

Blueprint Genetics
Classification: Likely benign. Last evaluated: 2024-09-30. Review status: criteria provided, single submitter. Criteria: ACMG Guidelines, 2015. Collection method: clinical testing. Allele origin: germline. Not counted in ClinVar's aggregate classification.

PreventionGenetics, part of Exact Sciences
Classification: Likely benign. Review status: criteria provided, single submitter. Criteria: ACMG Guidelines, 2015. Collection method: clinical testing. Allele origin: germline. Not counted in ClinVar's aggregate classification.

NM_000018.4(ACADVL):c.822C>T (p.Ala274=)

Gene: ACADVL (acyl-CoA dehydrogenase very long chain; plus strand). Cytogenetic location: 17p13.1.
Variant type: single nucleotide variant.
Coding change: c.822C>T on transcript NM_000018.4 (MANE Select); coding-DNA position 822, C replaced by T.
Protein change: p.Ala274=; no amino-acid change (alanine 274 retained).
Molecular consequence: synonymous variant.
Genome position (GRCh38, 1-based): chr17:7,222,246, C>T. VCF-style: chr17-7222246-C-T. GRCh37 (hg19) VCF-style: chr17-7125565-C-T.
Other names: NM_000018.4(ACADVL):c.822C>T; p.Ala274=; c.756C>T, p.Ala252= (NM_001033859.3); c.891C>T, p.Ala297= (NM_001270447.2); c.594C>T, p.Ala198= (NM_001270448.2).
Identifiers: ClinVar variation 254705 (VCV000254705.12), dbSNP rs372038260, ClinGen allele CA8337859.